The following is an entry in ClinVar:

ClinVar aggregate classification (germline): Uncertain significance. Review status: criteria provided, multiple submitters, no conflicts (2 of 4 stars). 4 submissions from 4 submitters: Uncertain significance (4). Last evaluated 2026-01-27.

Submissions (4):

Women's Health and Genetics/Laboratory Corporation of America, LabCorp
Classification: Uncertain significance. Last evaluated: 2026-01-27. Review status: criteria provided, single submitter. Criteria: LabCorp Variant Classification Summary - May 2015. Collection method: clinical testing. Allele origin: germline.
Comment: Variant summary: AEBP1 c.1054_1056delGAG (p.Glu352del) results in an in-frame deletion that is predicted to remove one amino acid from the encoded protein. The variant allele was found at a frequency of 0.00029 in 250242 control chromosomes (gnomAD). This frequency is not significantly higher than estimated for disease-causing variants in AEBP1, allowing no conclusion about variant significance. To our knowledge, no occurrence of c.1054_1056delGAG in individuals affected with AEBP1-related conditions and no experimental evidence demonstrating its impact on protein function have been reported. ClinVar contains an entry for this variant (Variation ID: 1516290). Based on the evidence outlined above, the variant was classified as uncertain significance.

Mayo Clinic Laboratories, Mayo Clinic
Classification: Uncertain significance. Last evaluated: 2025-11-26. Review status: criteria provided, single submitter. Criteria: ACMG Guidelines, 2015. Collection method: clinical testing. Allele origin: germline. Observed: 3 variant alleles.
Comment: PM4

Labcorp Genetics (formerly Invitae), Labcorp
Classification: Uncertain significance. Last evaluated: 2022-08-23. Review status: criteria provided, single submitter. Criteria: Invitae Variant Classification Sherloc (09022015). Collection method: clinical testing. Allele origin: germline.
Comment: This variant, c.1054_1056del, results in the deletion of 1 amino acid(s) of the AEBP1 protein (p.Glu352del), but otherwise preserves the integrity of the reading frame. This variant is present in population databases (rs776612900, gnomAD 0.05%). This variant has not been reported in the literature in individuals affected with AEBP1-related conditions. Experimental studies and prediction algorithms are not available or were not evaluated, and the functional significance of this variant is currently unknown. In summary, the available evidence is currently insufficient to determine the role of this variant in disease. Therefore, it has been classified as a Variant of Uncertain Significance.

Breakthrough Genomics
Classification: Uncertain significance. Review status: criteria provided, single submitter. Criteria: ACMG Guidelines, 2015. Collection method: not provided. Allele origin: germline. Inheritance: Autosomal recessive inheritance. Affected: yes.

NM_001129.5(AEBP1):c.1051GAG[1] (p.Glu352del)

Gene: AEBP1 (AE binding protein 1; plus strand). Cytogenetic location: 7p13.
Variant type: Microsatellite.
Coding change: c.1051GAG[1] on transcript NM_001129.5 (MANE Select); one copy of the 3-base unit GAG starting at c.1051; the reference has two copies in a row; one copy, 3 bases deleted; also written c.1054_1056del.
Protein change: p.Glu352del; deletes glutamic acid 352.
Molecular consequence: inframe deletion.
Genome position (GRCh38, 1-based): chr7:44,109,142-44,109,144, GAG deleted; deleting any 3 consecutive bases within chr7:44,109,137-44,109,144 gives the same sequence; the position shown is the placement nearest the transcript's 3' end. VCF-style (leftmost placement, unchanged base first): chr7-44109136-AAGG-A. GRCh37 (hg19) VCF-style: chr7-44148735-AAGG-A.
Other names: p.Glu352del; c.1054_1056delGAG (NM_001129.5); c.1054_1056del (NM_001129.5); short protein forms E352del.
Identifiers: ClinVar variation 1516290 (VCV001516290.11), dbSNP rs776612900, ClinGen allele CA4237729.